The following is an entry in ClinVar:

ClinVar aggregate classification (germline): Uncertain significance (1 of 4 stars; one submission).

Conditions:
Sulfite oxidase deficiency due to molybdenum cofactor deficiency type C. Also called: Molybdenum cofactor deficiency, complementation group C; Molybdenum cofactor deficiency C. Identifiers: Orphanet 308400, Orphanet 833, MedGen C1854990, MONDO:0014212, OMIM 615501.

Allele frequency attached by ClinVar (database versions not stated): gnomAD exomes below 0.00001; TOPMed below 0.00001.
gnomAD v4.1: 5 of 1,613,976 alleles (0.00031%); highest among the groups gnomAD compares: African/African-American, 0.0013%; no homozygotes.

Submission:

Labcorp Genetics (formerly Invitae), Labcorp
Classification: Uncertain significance for Sulfite oxidase deficiency due to molybdenum cofactor deficiency type C. Last evaluated: 2022-01-17. Review status: criteria provided, single submitter. Criteria: Invitae Variant Classification Sherloc (09022015). Collection method: clinical testing. Allele origin: germline.
Comment: Algorithms developed to predict the effect of missense changes on protein structure and function are either unavailable or do not agree on the potential impact of this missense change (SIFT: "Tolerated"; PolyPhen-2: "Probably Damaging"; Align-GVGD: "Class C0"). In summary, the available evidence is currently insufficient to determine the role of this variant in disease. Therefore, it has been classified as a Variant of Uncertain Significance. This sequence change replaces glutamic acid, which is acidic and polar, with lysine, which is basic and polar, at codon 759 of the GPHN protein (p.Glu759Lys). This variant is present in population databases (no rsID available, gnomAD 0.0009%). This variant has not been reported in the literature in individuals affected with GPHN-related conditions.

NM_020806.5(GPHN):c.2275G>A (p.Glu759Lys)

Gene: GPHN (gephyrin; plus strand). Cytogenetic location: 14q23.3.
Variant type: single nucleotide variant.
Coding change: c.2275G>A on transcript NM_020806.5 (MANE Select); coding-DNA position 2275, G replaced by A.
Protein change: p.Glu759Lys; replaces glutamic acid 759 with lysine.
Molecular consequence: missense variant.
Genome position (GRCh38, 1-based): chr14:67,180,902, G>A. VCF-style: chr14-67180902-G-A. GRCh37 (hg19) VCF-style: chr14-67647619-G-A.
Other names: c.2176G>A, p.Glu726Lys (NM_001024218.2); c.2335G>A, p.Glu779Lys (NM_001377514.1); c.2305G>A, p.Glu769Lys (NM_001377515.1); c.2296G>A, p.Glu766Lys (NM_001377516.1); c.2248G>A, p.Glu750Lys (NM_001377517.1); c.2233G>A, p.Glu745Lys (NM_001377518.1); c.2215G>A, p.Glu739Lys (NM_001377519.1); short protein forms E726K, E739K, E766K, E745K, E750K, E759K, E769K, E779K.
Identifiers: ClinVar variation 1517335 (VCV001517335.6), dbSNP rs1158733278, ClinGen allele CA390122709.
Genomic context (GRCh38, chr14:67,180,902, plus strand): 5'-GCCAATGGATTGTTGATGCTACCTCCAAAGACAGAACAGTACGTGGAGCTCCACAAAGGC[G>A]AGGTGGTGGATGTCATGGTCATTGGACGGCTATGATGGTCACCAGCAGGAGAAAGCTTTG-3'
Protein context (NP_065857.1, residues 749-769): TEQYVELHKG[Glu759Lys]VVDVMVIGRL